The following is an entry in ClinVar:

t(X;9)(q23;q12)dn

Gene: AMMECR1 (AMMECR nuclear protein 1; minus strand). Cytogenetic location: Xq23.
Variant type: Translocation.
Identifiers: ClinVar variation 592175 (VCV000592175.2).

ClinVar aggregate classification (germline): Likely pathogenic (0 of 4 stars; one submission).

Conditions:
Midface hypoplasia, hearing impairment, elliptocytosis, and nephrocalcinosis (MFHIEN). Identifiers: Orphanet 688581, MedGen C4310810, MONDO:0010516, OMIM 300990.

Submission:

Genetics Division, Universidade Federal de Sao Paulo
Classification: Likely pathogenic for Midface hypoplasia, hearing impairment, elliptocytosis, and nephrocalcinosis. Last evaluated: 2016-03-01. Review status: no assertion criteria provided. Collection method: research. Allele origin: de novo. Inheritance: X-linked inheritance. Affected: yes. Observed: 1 heterozygote.
Comment: They present with short stature, cardiac and skeletal abnormalities and hearing loss. Variants of unknown significance in AMMECR1 in four male patients from two families with partially overlapping phenotypes were previously reported. AMMECR1 is co-expressed with genes implicated in cell cycle regulation, five of which were previously associated with growth and bone alteration syndromes. Our knockdown of the zebrafish orthologous gene resulted in phenotypes reminiscent of patientsâ€™ features. The increased transcript and encoded protein levels of AMMECR1L, an AMMECR1 paralog, in the t(X;9) patientâ€™s cells indicate a partial compensatory mechanism. AMMECR1 and AMMECR1L proteins dimerize and localize to the nucleus as suggested by their nucleic acid-binding RAGNYA folds. Our results suggest that AMMECR1 is potentially involved in cell cycle control and linked to a new syndrome with growth, bone, heart and kidney alterations and elliptocytosis.